The following is an entry in ClinVar:

ClinVar aggregate classification (germline): Uncertain significance (1 of 4 stars; one submission).

Conditions:
Zellweger spectrum disorders (ZS). Also called: Zellweger syndrome; Zellweger Spectrum Disorder; Zellweger Spectrum; Zellweger Spectrum Disorder (ZSD). Identifiers: Orphanet 912, MedGen C0043459, MONDO:0019609.

Submission:

Labcorp Genetics (formerly Invitae), Labcorp
Classification: Uncertain significance for Zellweger spectrum disorders. Last evaluated: 2022-09-01. Review status: criteria provided, single submitter. Criteria: Invitae Variant Classification Sherloc (09022015). Collection method: clinical testing. Allele origin: germline.
Comment: In summary, the available evidence is currently insufficient to determine the role of this variant in disease. Therefore, it has been classified as a Variant of Uncertain Significance. Advanced modeling of protein sequence and biophysical properties (such as structural, functional, and spatial information, amino acid conservation, physicochemical variation, residue mobility, and thermodynamic stability) performed at Invitae indicates that this missense variant is not expected to disrupt PEX1 protein function. ClinVar contains an entry for this variant (Variation ID: 1475291). This variant has not been reported in the literature in individuals affected with PEX1-related conditions. This variant is not present in population databases (gnomAD no frequency). This sequence change replaces histidine, which is basic and polar, with arginine, which is basic and polar, at codon 771 of the PEX1 protein (p.His771Arg).

NM_000466.3(PEX1):c.2312A>G (p.His771Arg)

Gene: PEX1 (peroxisomal biogenesis factor 1; minus strand). Cytogenetic location: 7q21.2.
Variant type: single nucleotide variant.
Coding change: c.2312A>G on transcript NM_000466.3 (MANE Select); coding-DNA position 2312, A replaced by G.
Protein change: p.His771Arg; replaces histidine 771 with arginine.
Molecular consequence: missense variant.
Genome position (GRCh38, 1-based): chr7:92,501,994, T>C on the plus strand (A>G on the coding strand, the complement: PEX1 is on the minus strand). VCF-style: chr7-92501994-T-C. GRCh37 (hg19) VCF-style: chr7-92131308-T-C.
Other names: c.2141A>G, p.His714Arg (NM_001282677.2); c.1688A>G, p.His563Arg (NM_001282678.2); short protein forms H714R, H563R, H771R.
Identifiers: ClinVar variation 1475291 (VCV001475291.6), dbSNP rs1791952164, ClinGen allele CA368177921.